The following is an entry in ClinVar:

NM_000051.4(ATM):c.5623C>T (p.Arg1875Ter)

Gene: ATM (ATM serine/threonine kinase; plus strand). Cytogenetic location: 11q22.3.
Variant type: single nucleotide variant.
Coding change: c.5623C>T on transcript NM_000051.4 (MANE Select); coding-DNA position 5623, C replaced by T.
Protein change: p.Arg1875Ter; replaces arginine 1875 with a stop codon.
Molecular consequence: nonsense.
Genome position (GRCh38, 1-based): chr11:108,304,801, C>T. VCF-style: chr11-108304801-C-T. GRCh37 (hg19) VCF-style: chr11-108175528-C-T.
Other names: c.5623C>T, p.Arg1875Ter (NM_001351834.2); short protein forms R1875*.
Identifiers: ClinVar variation 245815 (VCV000245815.38), dbSNP rs376603775, ClinGen allele CA6265737.

ClinVar aggregate classification (germline): Pathogenic. Review status: criteria provided, multiple submitters, no conflicts (2 of 4 stars). 19 submissions from 19 submitters: Pathogenic (19). Last evaluated 2026-06-29.

Conditions:
Inherited prostate cancer.
ATM-related disorder. Also called: ATM-related disorders; ATM-related condition.
Inherited breast cancer and ovarian cancer.
ATM-related cancer predisposition. Also called: ATM-related cancer susceptibility. Identifiers: MedGen CN377759, MONDO:0700270.
Ataxia-telangiectasia syndrome (AT). Also called: AT, COMPLEMENTATION GROUP C; Ataxia-telangiectasia, complementation group E; Ataxia telangiectasia (A-T); LOUIS-BAR SYNDROME; Ataxia-telangiectasia, complementation group D; Cerebello-oculocutaneous telangiectasia. Identifiers: Orphanet 100, MedGen C0004135, MONDO:0008840, OMIM 208900.
Breast cancer, susceptibility to. Identifiers: MedGen C3469522. Disease mechanism: gain of function.
Hereditary cancer-predisposing syndrome. Also called: Hereditary Cancer Syndrome; Tumor predisposition; Hereditary neoplastic syndrome; Neoplastic Syndromes, Hereditary. Identifiers: Orphanet 140162, MedGen C0027672, MeSH D009386, MONDO:0015356.
Familial cancer of breast. Also called: Hereditary breast cancer; hereditary breast carcinoma; BREAST CANCER, FAMILIAL. Identifiers: Orphanet 227535, MedGen C0346153, MONDO:0016419, OMIM 114480. Disease mechanism: loss of function.

Allele frequency attached by ClinVar (database versions not stated): ExAC 0.00002; gnomAD exomes 0.00002; TOPMed 0.00002; gnomAD 0.00003 and 0.00004; ESP Exome Variant Server 0.00008.
gnomAD v4.1: 66 of 1,613,398 alleles (0.0041%); highest among the groups gnomAD compares: Middle Eastern, 0.016%; no homozygotes.

Submissions 1 to 7 of 19:

Genomics and Molecular Medicine Service, East Genomic Laboratory Hub, NHS Genomic Medicine Service
Classification: Pathogenic for Inherited prostate cancer. Last evaluated: 2026-06-29. Review status: criteria provided, single submitter. Criteria: ACGS Best Practice Guidelines for Variant Classification in Rare Disease 2020. Collection method: clinical testing. Allele origin: germline. Affected: yes.
Comment: PVS1,PM3,PM5_Supporting

Labcorp Genetics (formerly Invitae), Labcorp
Classification: Pathogenic for Ataxia-telangiectasia syndrome. Last evaluated: 2026-01-04. Review status: criteria provided, single submitter. Criteria: Invitae Variant Classification Sherloc (09022015). Collection method: clinical testing. Allele origin: germline.
Comment: This sequence change creates a premature translational stop signal (p.Arg1875*) in the ATM gene. It is expected to result in an absent or disrupted protein product. Loss-of-function variants in ATM are known to be pathogenic (PMID: 23807571, 25614872). This variant is present in population databases (rs376603775, gnomAD 0.005%). This premature translational stop signal has been observed in individual(s) with breast cancer and ataxia-telangiectasia (PMID: 9450906, 10873394, 21792198, 26976419, 27980538). ClinVar contains an entry for this variant (Variation ID: 245815). For these reasons, this variant has been classified as Pathogenic.

Color Diagnostics, LLC DBA Color Health
Classification: Pathogenic for Hereditary cancer-predisposing syndrome. Last evaluated: 2025-09-18. Review status: criteria provided, single submitter. Criteria: ACMG Guidelines, 2015. Collection method: clinical testing. Allele origin: germline.
Comment: This variant changes 1 nucleotide in exon 37 of the ATM gene, creating a premature translation stop signal. This variant is expected to result in an absent or non-functional protein product. To our knowledge, functional studies have not been reported for this variant. This variant has been observed in individuals affected with breast cancer (PMID: 19781682, 21787400, 26976419, 28779002, 33471991), pancreatic cancer (PMID: 32255556), and in homozygous and compound heterozygous carriers affected with Ataxia-Telangiectasia (PMID: 9450906, 10873394, 21792198, 21792198, 30549301). This variant has been identified in 5/249754 chromosomes in the general population by the Genome Aggregation Database (gnomAD). Loss of ATM function is a known mechanism of disease. Based on the available evidence, this variant is classified as Pathogenic.

Cambridge Genomics Laboratory, East Genomic Laboratory Hub, NHS Genomic Medicine Service
Classification: Pathogenic for Inherited breast cancer and ovarian cancer. Last evaluated: 2025-05-20. Review status: criteria provided, single submitter. Criteria: ACGS Best Practice Guidelines for Variant Classification in Rare Disease 2020. Collection method: clinical testing. Allele origin: germline. Affected: yes.
Comment: PVS1,PM3_Very Strong,PM5_Supporting

Institute for Genomic Medicine (IGM) Clinical Laboratory, Nationwide Children's Hospital
Classification: Pathogenic for ATM-related cancer predisposition. Last evaluated: 2025-03-18. Review status: criteria provided, single submitter. Criteria: ACMG Guidelines, 2015. Collection method: clinical testing. Allele origin: germline.
Comment: This variant is predicted to result in loss of function through nonsense-mediated decay of the encoded transcript or premature truncation of the encoded protein in a gene in which loss of function is a known mechanism of disease (ACMG/AMP: PVS1; PMIDs:10677309, 33509806). This variant has been reported at an elevated frequency in affected individuals/in multiple affected individuals in the literature (ACMG/AMP: PS4; PMIDs:19781682, 21787400, 26976419, 30322717, 32255556, 33436325). This variant has been observed in trans with a pathogenic variant (ACMG/AMP: PM3; PMID:21792198).

Molecular Diagnostics Laboratory, Catalan Institute of Oncology
Classification: Pathogenic for Hereditary cancer-predisposing syndrome. Last evaluated: 2025-02-05. Review status: criteria provided, single submitter. Criteria: ClinGen ACMG Specifications ATM V1.1.0. Collection method: clinical testing. Allele origin: germline.
Comment: PVS1, PS3_Moderate, PM3_Strong,PM5_Supporting c.5623C>T, located in exon 37 of the ATM gene, is expected to result in loss of function by premature protein truncation before codon 1875, p.(Arg1875*). This alteration is expected to result in loss of function by premature protein truncation and nonsense-mediated mRNA decay (PVS1, PM5_Supporting). This variant is found in 2/117452 alleles at an allele frequency of 0.0017% in the gnomAD v2.1.1 database, non-cancer dataset. The SpliceAI algorithm predicts no significant impact on splicing. This variant has been observed in heterozygous state and homozygous in Ataxia-Telangiectasia patients (PMID: 9450906, PMID: 10873394, PMID: 21792198)(PM3_Strong).Assays performed with lymphoblastoid cell lines of an homozygous and a compound heterozygous ataxia-telangiectasia patients showed reduced levels (PMID: 10873394) and absence (PMID: 21778326) of ATM protein, respectively. Additionally, very little phosphorylation of SMC1, KAP1, and CHK2 proteins was observed in the latter patient (PS3_Moderate, PMID: 21778326). In addition, it has been reported in ClinVar database (13x pathogenic) and in the LOVD database (2x pathogenic, 2x VUS, 1x not classified). Based on currently available information, the variant c.5623C>T is classified as a pathogenic variant according to ClinGen-ATM Guidelines version v1.1.

Natera, Inc.
Classification: Pathogenic for Ataxia-telangiectasia. Last evaluated: 2025-01-23. Review status: criteria provided, single submitter. Criteria: Natera Variant Classification Schema (03/2026). Collection method: clinical testing. Allele origin: germline.
Comment: The c.5623C>T variant in ATM is a nonsense variant predicted to introduce a stop codon at amino acid 1875. This variant is expected to result in nonsense mediated decay, truncation, or a dysfunctional protein product. This variant is rare in the general population with a frequency below the threshold expected for the associated phenotype(s). This variant has been observed in one or more individuals affected with the associated recessive disease, as either homozygous or compound heterozygous with a second variant (PMID: 22649200, 9450906, 21792198). Given the available evidence, this variant is classified as Pathogenic.